The following is an entry in ClinVar:

NM_033004.4(NLRP1):c.3052+3A>G

Gene: NLRP1 (NLR family pyrin domain containing 1; minus strand). Cytogenetic location: 17p13.2.
Variant type: single nucleotide variant.
Coding change: c.3052+3A>G on transcript NM_033004.4 (MANE Select); 3 bases into the intron after coding-DNA position 3052, A replaced by G.
Molecular consequence: intron variant.
Genome position (GRCh38, 1-based): chr17:5,533,894, T>C on the plus strand (A>G on the coding strand, the complement: NLRP1 is on the minus strand). VCF-style: chr17-5533894-T-C. GRCh37 (hg19) VCF-style: chr17-5437214-T-C.
Other names: p.?; c.3052+3A>G (NM_001033053.3, NM_014922.5); c.2962+3A>G (NM_033007.4, NM_033006.4).
Identifiers: ClinVar variation 1004181 (VCV001004181.8), dbSNP rs759679678, ClinGen allele CA8326954.
Genomic context (GRCh38, chr17:5,533,894, plus strand): 5'-CTCCCACAGCTGACCTCCCCCAACCCCTGTCACGATGCTCCCAGCCTTGCCCCTTCAAAC[T>C]ACCTGATCCGAGTCTCTGCCGCTTGAGTGAGGATGTGCTATTACTCATCTCTCCCGTATC-3'

ClinVar aggregate classification (germline): Uncertain significance. Review status: criteria provided, multiple submitters, no conflicts (2 of 4 stars). 3 submissions from 3 submitters: Uncertain significance (3). Last evaluated 2025-11-04.

Allele frequency attached by ClinVar (database versions not stated): TOPMed 0.00003; gnomAD 0.00003 and 0.00004; gnomAD exomes 0.00004 and 0.00007; ExAC 0.00006.
gnomAD v4.1: 101 of 1,602,564 alleles (0.0063%); highest among the groups gnomAD compares: Non-Finnish European, 0.0085%; no homozygotes.

Submissions (3):

Labcorp Genetics (formerly Invitae), Labcorp
Classification: Uncertain significance. Last evaluated: 2025-11-04. Review status: criteria provided, single submitter. Criteria: Invitae Variant Classification Sherloc (09022015). Collection method: clinical testing. Allele origin: germline.
Comment: This sequence change falls in intron 9 of the NLRP1 gene. It does not directly change the encoded amino acid sequence of the NLRP1 protein. It affects a nucleotide within the consensus splice site. This variant is present in population databases (rs759679678, gnomAD 0.01%). This variant has not been reported in the literature in individuals affected with NLRP1-related conditions. ClinVar contains an entry for this variant (Variation ID: 1004181). Variants that disrupt the consensus splice site are a relatively common cause of aberrant splicing (PMID: 17576681, 9536098). Algorithms developed to predict the effect of sequence changes on RNA splicing suggest that this variant may disrupt the consensus splice site. In summary, the available evidence is currently insufficient to determine the role of this variant in disease. Therefore, it has been classified as a Variant of Uncertain Significance.

Mayo Clinic Laboratories, Mayo Clinic
Classification: Uncertain significance. Last evaluated: 2025-10-07. Review status: criteria provided, single submitter. Criteria: ACMG Guidelines, 2015. Collection method: clinical testing. Allele origin: germline. Observed: 2 variant alleles.

Blueprint Genetics
Classification: Uncertain significance. Last evaluated: 2024-10-09. Review status: criteria provided, single submitter. Criteria: ACMG Guidelines, 2015. Collection method: clinical testing. Allele origin: germline.

Literature cited by the submitters: PubMed 17576681 (cited by Labcorp Genetics (formerly Invitae), Labcorp); PubMed 9536098 (cited by Labcorp Genetics (formerly Invitae), Labcorp).